The following is an entry in ClinVar:

NC_000006.11:g.(?_51747238)_(51777384_?)dup

Gene: PKHD1 (PKHD1 ciliary IPT domain containing fibrocystin/polyductin; minus strand). Cytogenetic location: 6p12.3.
Variant type: Duplication.
Identifiers: ClinVar variation 2427258 (VCV002427258.3).

ClinVar aggregate classification (germline): Likely pathogenic (1 of 4 stars; one submission).

Conditions:
Autosomal recessive polycystic kidney disease (ARPKD). Also called: AR polycystic kidney disease. Identifiers: Orphanet 731, Orphanet 8378, MedGen C0085548, MeSH D017044, MONDO:0009889.

Submission:

Labcorp Genetics (formerly Invitae), Labcorp
Classification: Likely pathogenic for Autosomal recessive polycystic kidney disease. Last evaluated: 2021-12-31. Review status: criteria provided, single submitter. Criteria: Invitae Variant Classification Sherloc (09022015). Collection method: clinical testing. Allele origin: germline.
Comment: This variant has not been reported in the literature in individuals affected with PKHD1-related conditions. This variant results in a copy number gain of the genomic region encompassing exon(s) 38-46 of the PKHD1 gene. While the exact position of this variant cannot be determined from the data, sub-genic copy number gains are generally in tandem (PMID: 25640679). This variant is predicted to be out-of-frame, and may result in an absent or disrupted protein product. Loss-of-function variants in PKHD1 are known to be pathogenic (PMID: 19940839). In summary, the currently available evidence indicates that the variant is pathogenic, but additional data are needed to prove that conclusively. Therefore, this variant has been classified as Likely Pathogenic.

Literature cited by the submitters: PubMed 25640679; PubMed 19940839.